The following is an entry in ClinVar:

NM_003919.3(SGCE):c.550C>T (p.Leu184Phe)

Genes: CASD1 (CAS1 domain sialic acid O acetyltransferase 1; plus strand), SGCE (sarcoglycan epsilon; minus strand). Cytogenetic location: 7q21.3.
Variant type: single nucleotide variant.
Coding change: c.550C>T on transcript NM_003919.3 (MANE Select); coding-DNA position 550, C replaced by T.
Protein change: p.Leu184Phe; replaces leucine 184 with phenylalanine.
Molecular consequence: missense variant.
Genome position (GRCh38, 1-based): chr7:94,618,870, G>A on the plus strand (C>T on the coding strand, the complement: SGCE is on the minus strand). VCF-style: chr7-94618870-G-A. GRCh37 (hg19) VCF-style: chr7-94248182-G-A.
Other names: c.550C>T, p.Leu184Phe (NM_001099400.2, NM_001099401.2, NM_001346717.2); c.427C>T, p.Leu143Phe (NM_001301139.2, NM_001362809.2); c.658C>T, p.Leu220Phe (NM_001346713.2, NM_001346715.2); c.463C>T, p.Leu155Phe (NM_001346719.2, NM_001362807.2); c.277C>T, p.Leu93Phe (NM_001346720.2, NM_001362808.2); short protein forms L184F, L220F, L143F, L93F, L155F.
Identifiers: ClinVar variation 532788 (VCV000532788.10), dbSNP rs761551499, ClinGen allele CA4348771.

ClinVar aggregate classification (germline): Uncertain significance (1 of 4 stars; one submission).

Conditions:
Myoclonic dystonia 11 (DYT11). Also called: DYT-SGCE; Myoclonic dystonia; Dystonia 11; Dystonia, alcohol responsive; Hereditary essential myoclonus; SGCE Myoclonus-Dystonia. Identifiers: Orphanet 36899, MedGen C1834570, MONDO:0008044, OMIM 159900.

Allele frequency attached by ClinVar (database versions not stated): gnomAD exomes below 0.00001; ExAC 0.00001.
gnomAD v4.1: 1 of 1,614,028 alleles (0.000062%); highest among the groups gnomAD compares: Non-Finnish European, 0.000085%; no homozygotes.

Submission:

Labcorp Genetics (formerly Invitae), Labcorp
Classification: Uncertain significance for Myoclonic dystonia 11. Last evaluated: 2024-11-13. Review status: criteria provided, single submitter. Criteria: Invitae Variant Classification Sherloc (09022015). Collection method: clinical testing. Allele origin: germline.
Comment: This sequence change replaces leucine, which is neutral and non-polar, with phenylalanine, which is neutral and non-polar, at codon 184 of the SGCE protein (p.Leu184Phe). This variant is present in population databases (rs761551499, gnomAD 0.0009%). This variant has not been reported in the literature in individuals affected with SGCE-related conditions. ClinVar contains an entry for this variant (Variation ID: 532788). Invitae Evidence Modeling of protein sequence and biophysical properties (such as structural, functional, and spatial information, amino acid conservation, physicochemical variation, residue mobility, and thermodynamic stability) indicates that this missense variant is not expected to disrupt SGCE protein function with a negative predictive value of 80%. This variant disrupts the p.Leu184 amino acid residue in SGCE. Other variant(s) that disrupt this residue have been determined to be pathogenic (PMID: 11022010, 18175340, 18355305; internal data). This suggests that this residue is clinically significant, and that variants that disrupt this residue are likely to be disease-causing. In summary, the available evidence is currently insufficient to determine the role of this variant in disease. Therefore, it has been classified as a Variant of Uncertain Significance.

Literature cited by the submitters: PubMed 11022010; PubMed 18175340; PubMed 18355305.